The following is an entry in ClinVar:

NM_014975.3(MAST1):c.2863C>T (p.Arg955Trp)

Gene: MAST1 (microtubule associated serine/threonine kinase 1; plus strand). Cytogenetic location: 19p13.13.
Variant type: single nucleotide variant.
Coding change: c.2863C>T on transcript NM_014975.3 (MANE Select); coding-DNA position 2863, C replaced by T.
Protein change: p.Arg955Trp; replaces arginine 955 with tryptophan.
Molecular consequence: missense variant.
Genome position (GRCh38, 1-based): chr19:12,869,155, C>T. VCF-style: chr19-12869155-C-T. GRCh37 (hg19) VCF-style: chr19-12979969-C-T.
Other names: short protein forms R955W.
Identifiers: ClinVar variation 2881807 (VCV002881807.3), dbSNP rs879630470, ClinGen allele CA305495190.
Genomic context (GRCh38, chr19:12,869,155, plus strand): 5'-AGTCCCATGTCTCCACGATCTCTGTCCTCCAACCCATCCTCACGGGACTCCTCACCCAGC[C>T]GGGACTACTCACCAGCTGTCAGTGGGCTCCGCTCCCCCATCACCATCCAGCGCTCGGGCA-3'
Protein context (NP_055790.1, residues 945-965): NPSSRDSSPS[Arg955Trp]DYSPAVSGLR

ClinVar aggregate classification (germline): Uncertain significance (1 of 4 stars; one submission).

Allele frequency attached by ClinVar (database versions not stated): gnomAD exomes 0.00001.
gnomAD v4.1: 11 of 1,614,190 alleles (0.00068%); highest among the groups gnomAD compares: African/African-American, 0.0013%; no homozygotes.

Submission:

Labcorp Genetics (formerly Invitae), Labcorp
Classification: Uncertain significance. Last evaluated: 2023-01-03. Review status: criteria provided, single submitter. Criteria: Invitae Variant Classification Sherloc (09022015). Collection method: clinical testing. Allele origin: germline.
Comment: This sequence change replaces arginine, which is basic and polar, with tryptophan, which is neutral and slightly polar, at codon 955 of the MAST1 protein (p.Arg955Trp). This variant is not present in population databases (gnomAD no frequency). This variant has not been reported in the literature in individuals affected with MAST1-related conditions. Algorithms developed to predict the effect of missense changes on protein structure and function are either unavailable or do not agree on the potential impact of this missense change (SIFT: "Deleterious"; PolyPhen-2: "Probably Damaging"; Align-GVGD: "Class C15"). In summary, the available evidence is currently insufficient to determine the role of this variant in disease. Therefore, it has been classified as a Variant of Uncertain Significance.